The following is an entry in ClinVar:

NM_144997.7(FLCN):c.249+5G>C

Gene: FLCN (folliculin; minus strand). Cytogenetic location: 17p11.2.
Variant type: single nucleotide variant.
Coding change: c.249+5G>C on transcript NM_144997.7 (MANE Select); 5 bases into the intron after coding-DNA position 249, G replaced by C.
Molecular consequence: intron variant.
Genome position (GRCh38, 1-based): chr17:17,227,884, C>G on the plus strand (G>C on the coding strand, the complement: FLCN is on the minus strand). VCF-style: chr17-17227884-C-G. GRCh37 (hg19) VCF-style: chr17-17131198-C-G.
Other names: c.249+5G>C (NM_001353231.2, NM_001353230.2, NM_001353229.2 and 1 more transcripts).
Identifiers: ClinVar variation 2701423 (VCV002701423.5), dbSNP rs1064793127, ClinGen allele CA2697559510.

ClinVar aggregate classification (germline): Conflicting classifications of pathogenicity. Review status: criteria provided, conflicting classifications (1 of 4 stars). 2 submissions from 2 submitters: Pathogenic (1); Uncertain significance (1). Last evaluated 2025-12-29.

Conditions:
Birt-Hogg-Dube syndrome. Also called: Birt Hogg Dubé syndrome. Identifiers: Orphanet 122, MedGen C0346010, MONDO:0800444.

Submissions (2):

Center for Genomic Medicine, Rigshospitalet, Copenhagen University Hospital
Classification: Pathogenic. Last evaluated: 2025-12-29. Review status: criteria provided, single submitter. Criteria: ACMG Guidelines, 2015. Collection method: clinical testing. Allele origin: germline.

Labcorp Genetics (formerly Invitae), Labcorp
Classification: Uncertain significance for Birt-Hogg-Dube syndrome. Last evaluated: 2024-04-25. Review status: criteria provided, single submitter. Criteria: Invitae Variant Classification Sherloc (09022015). Collection method: clinical testing. Allele origin: germline.
Comment: This sequence change falls in intron 4 of the FLCN gene. It does not directly change the encoded amino acid sequence of the FLCN protein. RNA analysis indicates that this variant induces altered splicing and may result in an absent or disrupted protein product. This variant is not present in population databases (gnomAD no frequency). This variant has not been reported in the literature in individuals affected with FLCN-related conditions. Variants that disrupt the consensus splice site are a relatively common cause of aberrant splicing (PMID: 17576681, 9536098). Studies have shown that this variant results in activation of a cryptic splice site and introduces a premature termination codon (Invitae). The resulting mRNA is expected to undergo nonsense-mediated decay. In summary, the available evidence is currently insufficient to determine the role of this variant in disease. Therefore, it has been classified as a Variant of Uncertain Significance.

Literature cited by the submitters: PubMed 17576681 (cited by Labcorp Genetics (formerly Invitae), Labcorp); PubMed 9536098 (cited by Labcorp Genetics (formerly Invitae), Labcorp).